The following is an entry in ClinVar:

ClinVar aggregate classification (germline): Pathogenic (1 of 4 stars; one submission).

Conditions:
Hereditary cancer-predisposing syndrome. Also called: Neoplastic Syndromes, Hereditary; Tumor predisposition; Hereditary neoplastic syndrome; Hereditary Cancer Syndrome. Identifiers: Orphanet 140162, MedGen C0027672, MeSH D009386, MONDO:0015356.

Submission:

Ambry Genetics
Classification: Pathogenic for Hereditary cancer-predisposing syndrome. Last evaluated: 2024-02-22. Review status: criteria provided, single submitter. Criteria: Ambry Variant Classification Scheme 2023. Collection method: clinical testing. Allele origin: germline.
Comment: The c.213_214insA pathogenic mutation, located in coding exon 1 of the CHEK2 gene, results from an insertion of one nucleotide at positions 213 to 214, causing a translational frameshift with a predicted alternate stop codon (p.Y72Ifs*5). This variant is considered to be rare based on population cohorts in the Genome Aggregation Database (gnomAD). This alteration is expected to result in loss of function by premature protein truncation or nonsense-mediated mRNA decay. As such, this alteration is interpreted as a disease-causing mutation.

NM_007194.4(CHEK2):c.213_214insA (p.Tyr72fs)

Gene: CHEK2 (checkpoint kinase 2; minus strand). Cytogenetic location: 22q12.1.
Variant type: Insertion.
Coding change: c.213_214insA on transcript NM_007194.4 (MANE Select); coding-DNA positions 213 to 214, A inserted.
Protein change: p.Tyr72fs; shifts the reading frame from tyrosine 72.
Molecular consequence: frameshift variant.
Genome position: GRCh38 VCF-style: chr22-28734508-A-AT. GRCh37 (hg19) VCF-style: chr22-29130496-A-AT.
Other names: c.213_214insA, p.Tyr72Ilefs (NM_001005735.3, NM_001349956.3, NM_145862.3); c.-565_-564insA (NM_001257387.3); short protein forms Y72fs.
Identifiers: ClinVar variation 3226032 (VCV003226032.1), dbSNP rs2518129977, ClinGen allele CA2825002868.
Genomic context (GRCh38, chr22:28,734,508, plus strand): 5'-GGGCAGGGGTAGGCTCCTCAGGTTCTTGGTCCTCAGGTTCTTGGTCCTCAGGAATAGAAT[A>AT]GAGTTCCTGAGTGGACACTGTCTCTAAGGAGCTCAGTGTCCCAGAGCTGGAGTGAGAGGA-3'